The following is an entry in ClinVar:

NM_001830.4(CLCN4):c.122G>A (p.Arg41Gln)

Gene: CLCN4 (chloride voltage-gated channel 4; plus strand). Cytogenetic location: Xp22.2.
Variant type: single nucleotide variant.
Coding change: c.122G>A on transcript NM_001830.4 (MANE Select); coding-DNA position 122, G replaced by A.
Protein change: p.Arg41Gln; replaces arginine 41 with glutamine.
Molecular consequence: missense variant. On other transcripts: intron variant (1).
Genome position (GRCh38, 1-based): chrX:10,185,154, G>A. VCF-style: chrX-10185154-G-A. GRCh37 (hg19) VCF-style: chrX-10153194-G-A.
Other names: c.-38-9757G>A (NM_001256944.2); short protein forms R41Q.
Identifiers: ClinVar variation 1020111 (VCV001020111.10), dbSNP rs766165528, ClinGen allele CA10347000.
Genomic context (GRCh38, chrX:10,185,154, plus strand): 5'-TCCCTGATGTGGGGACGTATGAGGACTTCCACACCATCGACTGGCTAAGGGAAAAGTCAC[G>A]GGACACCGACAGACACAGGAAGGTAGGTGGCATTCCGAAAGGACACACTGCAAATGGCTA-3'
Protein context (NP_001821.2, residues 31-51): HTIDWLREKS[Arg41Gln]DTDRHRKITS

ClinVar aggregate classification (germline): Uncertain significance. Review status: criteria provided, multiple submitters, no conflicts (2 of 4 stars). 2 submissions from 2 submitters: Uncertain significance (2). Last evaluated 2020-03-17.

Allele frequency attached by ClinVar (database versions not stated): ExAC below 0.00001; TOPMed below 0.00001; gnomAD 0.00001; gnomAD exomes 0.00001.

Submissions (2):

Labcorp Genetics (formerly Invitae), Labcorp
Classification: Uncertain significance. Last evaluated: 2020-03-17. Review status: criteria provided, single submitter. Criteria: Invitae Variant Classification Sherloc (09022015). Collection method: clinical testing. Allele origin: germline.
Comment: This sequence change replaces arginine with glutamine at codon 41 of the CLCN4 protein (p.Arg41Gln). The arginine residue is highly conserved and there is a small physicochemical difference between arginine and glutamine. The frequency data for this variant in the population databases is considered unreliable, as metrics indicate poor data quality at this position in the ExAC database. This variant has not been reported in the literature in individuals with CLCN4-related conditions. Algorithms developed to predict the effect of missense changes on protein structure and function are either unavailable or do not agree on the potential impact of this missense change (SIFT: "Deleterious"; PolyPhen-2: "Benign"; Align-GVGD: "Class C0"). In summary, the available evidence is currently insufficient to determine the role of this variant in disease. Therefore, it has been classified as a Variant of Uncertain Significance.

Breakthrough Genomics
Classification: Uncertain significance. Review status: criteria provided, single submitter. Criteria: ACMG Guidelines, 2015. Collection method: not provided. Allele origin: germline. Inheritance: X-linked dominant inheritance. Affected: yes.